The following is an entry in ClinVar:

ClinVar aggregate classification (germline): Conflicting classifications of pathogenicity. Review status: criteria provided, conflicting classifications (1 of 4 stars). 4 submissions from 4 submitters: Likely pathogenic (2); Uncertain significance (2). Last evaluated 2024-05-25.

Conditions:
Nail-patella syndrome (NPS). Also called: FONG DISEASE; ONYCHOOSTEODYSPLASIA; TURNER-KIESER SYNDROME. Identifiers: Orphanet 2614, MedGen C0027341, MONDO:0008061, OMIM 161200.
Nail-patella-like renal disease. Also called: GLOMERULAR BASEMENT MEMBRANE DISEASE, NAIL-PATELLA SYNDROME TYPE; Focal Segmental Glomerulosclerosis 10. Identifiers: Orphanet 2613, MedGen C0403548, MONDO:0009724, OMIM 256020.
LMX1B-related disorder. Also called: LMX1B-related condition.

Submissions (4):

Fulgent Genetics
Classification: Uncertain significance for Nail-patella syndrome; Nail-patella-like renal disease. Last evaluated: 2024-05-25. Review status: criteria provided, single submitter. Criteria: ACMG Guidelines, 2015. Collection method: clinical testing. Allele origin: germline.

Blueprint Genetics
Classification: Likely pathogenic for LMX1B-related disorders. Last evaluated: 2024-05-17. Review status: criteria provided, single submitter. Criteria: ACMG Guidelines, 2015. Collection method: clinical testing. Allele origin: germline. Affected: yes. Observed: 1 variant allele.

Labcorp Genetics (formerly Invitae), Labcorp
Classification: Uncertain significance. Last evaluated: 2023-12-25. Review status: criteria provided, single submitter. Criteria: Invitae Variant Classification Sherloc (09022015). Collection method: clinical testing. Allele origin: germline.
Comment: This sequence change replaces cysteine, which is neutral and slightly polar, with tyrosine, which is neutral and polar, at codon 118 of the LMX1B protein (p.Cys118Tyr). This variant is not present in population databases (gnomAD no frequency). This missense change has been observed in individual(s) with nail-patella syndrome (PMID: 10571942). This variant is also known as C95Y. ClinVar contains an entry for this variant (Variation ID: 995576). Advanced modeling of protein sequence and biophysical properties (such as structural, functional, and spatial information, amino acid conservation, physicochemical variation, residue mobility, and thermodynamic stability) performed at Invitae indicates that this missense variant is expected to disrupt LMX1B protein function with a positive predictive value of 80%. This variant disrupts the p.Cys118 amino acid residue in LMX1B. Other variant(s) that disrupt this residue have been determined to be pathogenic (PMID: 9618165). This suggests that this residue is clinically significant, and that variants that disrupt this residue are likely to be disease-causing. In summary, the available evidence is currently insufficient to determine the role of this variant in disease. Therefore, it has been classified as a Variant of Uncertain Significance.

Molecular Diagnostics Laboratory, M Health Fairview: University of Minnesota
Classification: Likely pathogenic for Nail-patella syndrome. Last evaluated: 2020-11-18. Review status: criteria provided, single submitter. Criteria: ACMG Guidelines, 2015. Collection method: clinical testing. Allele origin: germline. Affected: yes.

Literature cited by the submitters: PubMed 10571942 (cited by Labcorp Genetics (formerly Invitae), Labcorp); PubMed 9618165 (cited by Labcorp Genetics (formerly Invitae), Labcorp).

NM_001174147.2(LMX1B):c.353G>A (p.Cys118Tyr)

Gene: LMX1B (LIM homeobox transcription factor 1 beta; plus strand). Cytogenetic location: 9q33.3.
Variant type: single nucleotide variant.
Coding change: c.353G>A on transcript NM_001174147.2 (MANE Select); coding-DNA position 353, G replaced by A.
Protein change: p.Cys118Tyr; replaces cysteine 118 with tyrosine.
Molecular consequence: missense variant.
Genome position (GRCh38, 1-based): chr9:126,690,862, G>A. VCF-style: chr9-126690862-G-A. GRCh37 (hg19) VCF-style: chr9-129453141-G-A.
Other names: c.353G>A, p.Cys118Tyr (NM_001174146.2, NM_002316.4); short protein forms C118Y.
Identifiers: ClinVar variation 995576 (VCV000995576.6), dbSNP rs121909488, ClinGen allele CA374912130.